The following is an entry in ClinVar:

ClinVar aggregate classification (germline): Pathogenic/Likely pathogenic. Review status: criteria provided, multiple submitters, no conflicts (2 of 4 stars). 14 submissions from 14 submitters: Pathogenic (11); Likely pathogenic (2). 1 of the submissions does not count toward it. Last evaluated 2025-10-28.

Conditions:
KIF1A related neurological disorder. Identifiers: MedGen CN312623, MONDO:0700055.
KIF1A-related disorder. Also called: KIF1A-related disorders; KIF1A-related condition.
Hereditary spastic paraplegia 30. Identifiers: Orphanet 101010, MedGen C5235139, MONDO:0012476.
Neuropathy, hereditary sensory, type 2C. Also called: Hereditary sensory and autonomic neuropathy type IIC; KIF1A-Related HSAN2 (HSAN2C). Identifiers: Orphanet 970, MedGen C3280168, MONDO:0013634, OMIM 614213.
Intellectual disability, autosomal dominant 9 (NESCAVS). Also called: KIF1A-Related Neurodevelopmental Disorder; NESCAV SYNDROME. Identifiers: Orphanet 662367, MedGen C5393830, MONDO:0013656, OMIM 614255.
Hereditary spastic paraplegia. Also called: Familial spastic paraparesis. Identifiers: Orphanet 685, MedGen C0037773, MONDO:0019064. Disease mechanism: loss of function.

Submissions (14):

GeneDx
Classification: Pathogenic. Last evaluated: 2025-10-28. Review status: criteria provided, single submitter. Criteria: GeneDx Variant Classification Process June 2021. Collection method: clinical testing. Allele origin: germline. Affected: yes.
Comment: Published functional studies demonstrate a damaging effect (PMID: 32652677); Not observed at significant frequency in large population cohorts (gnomAD); In silico analysis supports that this missense variant has a deleterious effect on protein structure/function; This variant is associated with the following publications: (PMID: 32737135, 34356170, 31796088, 32652677, 33057194, 34983064, 37236975, 35982159, 35872528, 38785164, 39122967, 21376300, 21820098, 26125038, 33880452, 35917346)

Labcorp Genetics (formerly Invitae), Labcorp
Classification: Pathogenic for Hereditary spastic paraplegia 30; Neuropathy, hereditary sensory, type 2C; Intellectual disability, autosomal dominant 9. Last evaluated: 2025-07-14. Review status: criteria provided, single submitter. Criteria: Invitae Variant Classification Sherloc (09022015). Collection method: clinical testing. Allele origin: germline.
Comment: This sequence change replaces proline, which is neutral and non-polar, with leucine, which is neutral and non-polar, at codon 305 of the KIF1A protein (p.Pro305Leu). This variant is not present in population databases (gnomAD no frequency). This missense change has been observed in individual(s) with autosomal dominant KIF1A-related conditions (PMID: 31796088; internal data). In at least one individual the variant was observed to be de novo. ClinVar contains an entry for this variant (Variation ID: 428604). Invitae Evidence Modeling of protein sequence and biophysical properties (such as structural, functional, and spatial information, amino acid conservation, physicochemical variation, residue mobility, and thermodynamic stability) indicates that this missense variant is expected to disrupt KIF1A protein function with a positive predictive value of 95%. For these reasons, this variant has been classified as Pathogenic.

Center of Human Genetics, Hôpital Erasme
Classification: Likely pathogenic for Intellectual disability, autosomal dominant 9. Last evaluated: 2025-01-01. Review status: criteria provided, single submitter. Criteria: ACMG Guidelines, 2015. Collection method: clinical testing. Allele origin: inherited. Affected: yes.

3billion
Classification: Pathogenic for Intellectual disability, autosomal dominant 9. Last evaluated: 2024-01-04. Review status: criteria provided, single submitter. Criteria: ACMG Guidelines, 2015. Collection method: clinical testing. Allele origin: germline. Affected: yes.
Comment: The variant is not observed in the gnomAD v2.1.1 dataset. Predicted Consequence/Location: The variant is located in a mutational hot spot and/or well-established functional domain in which established pathogenic variants have been reported (PMID: 31488895). In silico tool predictions suggest damaging effect of the variant on gene or gene product [REVEL: 0.93 (>=0.6, sensitivity 0.68 and specificity 0.92); 3Cnet: 0.94 (>=0.6, sensitivity 0.72 and precision 0.9)]. Same nucleotide change resulting in same amino acid change has been previously reported as pathogenic/likely pathogenic with strong evidence (ClinVar ID: VCV000428604 /PMID: 31796088). The variant has been previously reported as de novo in a similarly affected individual (PMID: 31796088). Therefore, this variant is classified as Pathogenic according to the recommendation of ACMG/AMP guideline.

CeGaT Center for Human Genetics Tuebingen
Classification: Pathogenic. Last evaluated: 2023-08-01. Review status: criteria provided, single submitter. Criteria: CeGaT Center For Human Genetics Tuebingen Variant Classification Criteria Version 2. Collection method: clinical testing. Allele origin: germline. Affected: yes. Observed: 1 variant allele.
Comment: KIF1A: PM6:Strong, PM2, PS4:Moderate, PP2, PP3

Blueprint Genetics
Classification: Pathogenic for KIF1A-related disorders. Last evaluated: 2021-12-29. Review status: criteria provided, single submitter. Criteria: ACMG Guidelines, 2015. Collection method: clinical testing. Allele origin: germline. Affected: yes. Observed: 1 variant allele.

Genome Diagnostics Laboratory, The Hospital for Sick Children
Classification: Pathogenic for Hereditary spastic paraplegia. Last evaluated: 2021-09-02. Review status: criteria provided, single submitter. Criteria: ACMG Guidelines, 2015. Collection method: clinical testing. Allele origin: germline. Affected: yes.

Institute of Medical Genetics and Applied Genomics, University Hospital Tübingen
Classification: Likely pathogenic. Last evaluated: 2021-06-17. Review status: criteria provided, single submitter. Criteria: ACMG Guidelines, 2015. Collection method: clinical testing. Allele origin: germline. Inheritance: Autosomal dominant inheritance. Affected: yes.

Institute of Human Genetics Munich, TUM University Hospital
Classification: Pathogenic for Spastic paraplegia 30A, autosomal dominant. Last evaluated: 2021-06-02. Review status: criteria provided, single submitter. Criteria: Classification criteria August 2017. Collection method: clinical testing. Allele origin: de novo. Inheritance: Autosomal dominant inheritance. Affected: yes. Observed: 1 variant allele.

Victorian Clinical Genetics Services, Murdoch Childrens Research Institute
Classification: Pathogenic for KIF1A related neurological disorder. Last evaluated: 2020-05-25. Review status: criteria provided, single submitter. Criteria: ACMG Guidelines, 2015. Collection method: clinical testing. Allele origin: germline. Affected: yes.
Comment: Based on the classification scheme VCGS_Germline_v1.1.1, this variant is classified as Pathogenic. Following criteria are met: 0102 - Loss-of-function is a known mechanism of disease for this gene. (N) 0104 – Dominant-negative is a mechanism of disease for this gene. (N) 0108 - This gene is known to be associated with both recessive and dominant disease. (N) 0200 - Variant is predicted to result in a missense amino acid change from a proline to a leucine (exon 11). (N) 0251 - Variant is heterozygous. (N) 0301 - Variant is absent from gnomAD. (P) 0501 - Missense variant consistently predicted to be damaging by multiple in silico tools, is highly conserved and results in a moderate amino acid change. (P) 0602 - Variant is located in a hotspot region or cluster of pathogenic variants (Kinesin motor domain; ClinVar, Decipher, NCBI, PDB) (P) 0603 - Missense variant in a region that is highly intolerant to missense variation (high constraint region). (P) 0705 - No comparable variants at this residue have previous evidence for pathogenicity. (N) 0801 - Strong previous evidence of pathogenicity in unrelated individuals for this variant (ClinVar, Decipher) (P) 1007 - No published functional evidence has been identified for this variant. (N) 1208 - Inheritance information for this variant is not currently available. (N) Legend: (P) - Pathogenic, (N) - Neutral, (B) - Benign

Genomic Medicine Lab, University of California San Francisco
Classification: Pathogenic for Intellectual disability, autosomal dominant 9. Last evaluated: 2019-05-09. Review status: criteria provided, single submitter. Criteria: ACMG Guidelines, 2015. Collection method: clinical testing. Allele origin: de novo. Inheritance: Autosomal dominant inheritance. Affected: yes. Study: CSER-P3EGS.

Equipe Genetique des Anomalies du Developpement, Université de Bourgogne
Classification: Pathogenic for Intellectual disability, autosomal dominant 9. Last evaluated: 2018-07-03. Review status: criteria provided, single submitter. Criteria: ACMG Guidelines, 2015. Collection method: clinical testing. Allele origin: de novo. Affected: yes.

Paris Brain Institute, Inserm - ICM
Classification: Pathogenic for Spastic paraplegia 30A, autosomal dominant. Review status: criteria provided, single submitter. Criteria: ACMG Guidelines, 2015. Collection method: clinical testing. Allele origin: unknown. Affected: yes. Observed: 1 variant allele.

Genomics And Bioinformatics Analysis Resource, Columbia University
Classification: Likely pathogenic for Intellectual disability, autosomal dominant 9. Review status: no assertion criteria provided. Collection method: research. Allele origin: de novo. Affected: yes. Observed: 1 variant allele, 1 heterozygote. Not counted in ClinVar's aggregate classification.

Literature cited by the submitters: PubMed 31796088 (cited by Labcorp Genetics (formerly Invitae), Labcorp and 3billion); PubMed 31488895 (cited by 3billion).

NM_001244008.2(KIF1A):c.914C>T (p.Pro305Leu)

Gene: KIF1A (kinesin family member 1A; minus strand). Cytogenetic location: 2q37.3.
Variant type: single nucleotide variant.
Coding change: c.914C>T on transcript NM_001244008.2 (MANE Select); coding-DNA position 914, C replaced by T.
Protein change: p.Pro305Leu; replaces proline 305 with leucine.
Molecular consequence: missense variant.
Genome position (GRCh38, 1-based): chr2:240,775,895, G>A on the plus strand (C>T on the coding strand, the complement: KIF1A is on the minus strand). VCF-style: chr2-240775895-G-A. GRCh37 (hg19) VCF-style: chr2-241715312-G-A.
Other names: c.914C>T, p.Pro305Leu (NM_001320705.2, NM_001330289.2, NM_001330290.2 and 20 more transcripts); short protein forms P305L.
Identifiers: ClinVar variation 428604 (VCV000428604.50), dbSNP rs1131690804, ClinGen allele CA351297780.